The following is an entry in ClinVar:

NM_138694.4(PKHD1):c.325G>A (p.Ala109Thr)

Gene: PKHD1 (PKHD1 ciliary IPT domain containing fibrocystin/polyductin; minus strand). Cytogenetic location: 6p12.2.
Variant type: single nucleotide variant.
Coding change: c.325G>A on transcript NM_138694.4 (MANE Select); coding-DNA position 325, G replaced by A.
Protein change: p.Ala109Thr; replaces alanine 109 with threonine.
Molecular consequence: missense variant.
Genome position (GRCh38, 1-based): chr6:52,079,965, C>T on the plus strand (G>A on the coding strand, the complement: PKHD1 is on the minus strand). VCF-style: chr6-52079965-C-T. GRCh37 (hg19) VCF-style: chr6-51944763-C-T.
Other names: c.325G>A, p.Ala109Thr (NM_170724.3); short protein forms A109T.
Identifiers: ClinVar variation 197870 (VCV000197870.29), dbSNP rs143979330, ClinGen allele CA203131.

ClinVar aggregate classification (germline): Conflicting classifications of pathogenicity. Review status: criteria provided, conflicting classifications (1 of 4 stars). 7 submissions from 7 submitters: Uncertain significance (1); Benign (2); Likely benign (1). 3 of the submissions do not count toward it. Last evaluated 2026-02-02.

Conditions:
PKHD1-related disorder. Also called: PKHD1-related condition.
Polycystic kidney disease. Also called: Polycystic kidney dysplasia; Kidney, Polycystic. Identifiers: MedGen C0022680, MeSH D007690, MONDO:0020642, HP:0000113.
Autosomal recessive polycystic kidney disease (ARPKD). Also called: AR polycystic kidney disease. Identifiers: Orphanet 731, Orphanet 8378, MedGen C0085548, MeSH D017044, MONDO:0009889.

Allele frequency attached by ClinVar (database versions not stated): TOPMed 0.00072; ExAC 0.00093; gnomAD exomes 0.00094; 1000 Genomes Project 30x 0.00250; 1000 Genomes Project 0.00300; gnomAD 0.00035 and 0.00054.
gnomAD v4.1: 576 of 1,612,232 alleles (0.036%); highest among the groups gnomAD compares: East Asian, 0.94%; 5 homozygotes.

Submissions (7):

Labcorp Genetics (formerly Invitae), Labcorp
Classification: Benign for Autosomal recessive polycystic kidney disease. Last evaluated: 2026-02-02. Review status: criteria provided, single submitter. Criteria: Invitae Variant Classification Sherloc (09022015). Collection method: clinical testing. Allele origin: germline.

Blueprint Genetics
Classification: Likely benign. Last evaluated: 2024-10-08. Review status: criteria provided, single submitter. Criteria: ACMG Guidelines, 2015. Collection method: clinical testing. Allele origin: germline.

Illumina Laboratory Services, Illumina
Classification: Uncertain significance for Polycystic kidney disease 4. Last evaluated: 2018-01-13. Review status: criteria provided, single submitter. Criteria: ICSL Variant Classification Criteria 13 December 2019. Collection method: clinical testing. Allele origin: germline.

Eurofins Ntd Llc (ga)
Classification: Benign. Last evaluated: 2015-04-15. Review status: criteria provided, single submitter. Criteria: EGL Classification Definitions 2015. Collection method: clinical testing. Allele origin: germline. Observed: 1 variant allele, 1 heterozygote.

PreventionGenetics, part of Exact Sciences
Classification: Benign for PKHD1-related condition. Last evaluated: 2019-02-22. Review status: no assertion criteria provided. Collection method: clinical testing. Allele origin: germline. Not counted in ClinVar's aggregate classification.
Comment: This variant is classified as benign based on ACMG/AMP sequence variant interpretation guidelines (Richards et al. 2015 PMID: 25741868, with internal and published modifications).

Natera, Inc.
Classification: Likely benign for Autosomal recessive polycystic kidney disease. Last evaluated: 2017-05-10. Review status: no assertion criteria provided. Collection method: clinical testing. Allele origin: germline. Not counted in ClinVar's aggregate classification.

Department of Pathology and Laboratory Medicine, Sinai Health System
Classification: Likely benign for Polycystic Kidney disease. Review status: no assertion criteria provided. Collection method: clinical testing. Allele origin: unknown. Affected: yes. Observed: 1 variant allele. Study: The Canadian Open Genetics Repository (COGR). Not counted in ClinVar's aggregate classification.
Comment: The PKHD1 p.Ala109Thr variant was not identified in the literature nor was it identified in the Geneinsight-COGR and LOVD 3.0 databases. The variant was identified in ClinVar (classification benign by Emory Genetics and uncertain significance by Illumina), and the RWTH AAachen University ARPKD database (unclassified). The variant was identified in control databases in 243 of 277130 chromosomes at a frequency of 0.000877 increasing the likelihood this could be a low frequency benign variant (Genome Aggregation Consortium Feb 27, 2017). The variant was identified in the following population at a frequency greater than 1%: East Asian in 204 of 18864 chromosomes (freq: 0.011). The p.Ala109Thr residue is not conserved in mammals and computational analyses (PolyPhen-2, SIFT, AlignGVGD, BLOSUM, MutationTaster) do not suggest a high likelihood of impact to the protein; however, this information is not predictive enough to rule out pathogenicity. The variant occurs outside of the splicing consensus sequence and 2 of 5 in silico or computational prediction software programs (SpliceSiteFinder, MaxEntScan, NNSPLICE, GeneSplicer, HumanSpliceFinder) predict a greater than 10% difference in splicing. However, this information is not predictive enough to assume pathogenicity. In summary, based on the above information the clinical significance of this variant cannot be determined with certainty at this time although we would lean towards a more benign role for this variant. This variant is classified as likely benign.